The following is an entry in ClinVar:

NM_000492.4(CFTR):c.3356T>C (p.Ile1119Thr)

Genes: CFTR (CF transmembrane conductance regulator; plus strand), CFTR-AS2 (CFTR antisense RNA 2; minus strand), LOC111674472 (DNase I hypersensitive sites in introns 16 and 17a of CFTR; plus strand). Cytogenetic location: 7q31.2.
Variant type: single nucleotide variant.
Coding change: c.3356T>C on transcript NM_000492.4 (MANE Select); coding-DNA position 3356, T replaced by C.
Protein change: p.Ile1119Thr; replaces isoleucine 1119 with threonine.
Molecular consequence: missense variant.
Genome position (GRCh38, 1-based): chr7:117,611,797, T>C. VCF-style: chr7-117611797-T-C. GRCh37 (hg19) VCF-style: chr7-117251851-T-C.
Other names: short protein forms I1119T.
Identifiers: ClinVar variation 632758 (VCV000632758.4), dbSNP rs1562914851, ClinGen allele CA368992613.

ClinVar aggregate classification (germline): Uncertain significance. Review status: criteria provided, multiple submitters, no conflicts (2 of 4 stars). 4 submissions from 4 submitters: Uncertain significance (3). 1 of the submissions does not count toward it. Last evaluated 2026-01-19.

Conditions:
CFTR-related disorder (CFTR-RD). Also called: CFTR-related condition; CFTR-related disorders. Identifiers: MedGen C5924204, MONDO:7770004.
Cystic fibrosis (CF). Also called: MUCOVISCIDOSIS. Identifiers: Orphanet 586, MedGen C0010674, MONDO:0009061, OMIM 219700. Disease mechanism: loss of function.

Submissions (4):

Ambry Genetics
Classification: Uncertain significance for Cystic fibrosis. Last evaluated: 2026-01-19. Review status: criteria provided, single submitter. Criteria: Ambry Variant Classification Scheme 2023. Collection method: clinical testing. Allele origin: germline.
Comment: The p.I1119T variant (also known as c.3356T>C), located in coding exon 20 of the CFTR gene, results from a T to C substitution at nucleotide position 3356. The isoleucine at codon 1119 is replaced by threonine, an amino acid with similar properties. This amino acid position is conserved. In addition, this alteration is predicted to be deleterious by in silico analysis. Based on the available evidence, the clinical significance of this variant remains unclear.

Labcorp Genetics (formerly Invitae), Labcorp
Classification: Uncertain significance for Cystic fibrosis. Last evaluated: 2025-11-01. Review status: criteria provided, single submitter. Criteria: Invitae Variant Classification Sherloc (09022015). Collection method: clinical testing. Allele origin: germline.
Comment: This sequence change replaces isoleucine, which is neutral and non-polar, with threonine, which is neutral and polar, at codon 1119 of the CFTR protein (p.Ile1119Thr). This variant is not present in population databases (gnomAD no frequency). This variant has not been reported in the literature in individuals affected with CFTR-related conditions. ClinVar contains an entry for this variant (Variation ID: 632758). Invitae Evidence Modeling of protein sequence and biophysical properties (such as structural, functional, and spatial information, amino acid conservation, physicochemical variation, residue mobility, and thermodynamic stability) has been performed for this missense variant. However, the output from this modeling did not meet the statistical confidence thresholds required to predict the impact of this variant on CFTR protein function. In summary, the available evidence is currently insufficient to determine the role of this variant in disease. Therefore, it has been classified as a Variant of Uncertain Significance.

Women's Health and Genetics/Laboratory Corporation of America, LabCorp
Classification: Uncertain significance. Last evaluated: 2018-12-03. Review status: criteria provided, single submitter. Criteria: LabCorp Variant Classification Summary - May 2015. Collection method: clinical testing. Allele origin: germline.
Comment: Variant summary: CFTR c.3356T>C (p.Ile1119Thr) results in a non-conservative amino acid change located in the ABC transporter type 1, transmembrane domain (IPR011527) of the encoded protein sequence. Three of five in-silico tools predict a damaging effect of the variant on protein function. The variant was absent in 245194 control chromosomes (gnomAD). The available data on variant occurrences in the general population are insufficient to allow any conclusion about variant significance. To our knowledge, no occurrence of c.3356T>C in individuals affected with Cystic Fibrosis and no experimental evidence demonstrating its impact on protein function have been reported. No clinical diagnostic laboratories have submitted clinical-significance assessments for this variant to ClinVar after 2014. Based on the evidence outlined above, the variant was classified as uncertain significance.

Natera, Inc.
Classification: Uncertain significance for CFTR-related disorders. Last evaluated: 2018-10-09. Review status: no assertion criteria provided. Collection method: clinical testing. Allele origin: germline. Not counted in ClinVar's aggregate classification.